The following is an entry in ClinVar:

NM_000038.6(APC):c.1480del (p.Ser494fs)

Gene: APC (APC regulator of Wnt signaling pathway; plus strand). Cytogenetic location: 5q22.2.
Variant type: Deletion.
Coding change: c.1480del on transcript NM_000038.6 (MANE Select); coding-DNA position 1480, one base deleted (A; older notation c.1480delA).
Protein change: p.Ser494fs; shifts the reading frame from serine 494.
Molecular consequence: frameshift variant.
Genome position (GRCh38, 1-based): chr5:112,827,179, A deleted. VCF-style (leftmost placement, unchanged base first): chr5-112827178-CA-C. GRCh37 (hg19) VCF-style: chr5-112162875-CA-C.
Other names: c.1480del, p.Ser494fs (NM_001127510.3, NM_001354895.2, NM_001407450.1); c.1426del, p.Ser476fs (NM_001127511.3); c.1534del, p.Ser512fs (NM_001354896.2, NM_001407447.1, NM_001407448.1 and 1 more transcripts); c.1510del, p.Ser504fs (NM_001354897.2); c.1405del, p.Ser469fs (NM_001354898.2); c.1396del, p.Ser466fs (NM_001354899.2); c.1357del, p.Ser453fs (NM_001354900.2); c.1303del, p.Ser435fs (NM_001354901.2, NM_001407453.1); and 11 more; short protein forms S110fs, S211fs, S334fs, S365fs, S368fs, S393fs, S403fs, S411fs.
Identifiers: ClinVar variation 2584031 (VCV002584031.2), dbSNP rs2533197433, ClinGen allele CA2582341331.

ClinVar aggregate classification (germline): Pathogenic (1 of 4 stars; one submission).

Conditions:
Familial adenomatous polyposis 1 (FAP1). Also called: FAMILIAL ADENOMATOUS POLYPOSIS 1, ATTENUATED; POLYPOSIS, ADENOMATOUS INTESTINAL. Identifiers: MedGen C2713442, MONDO:0021056, OMIM 175100. Disease mechanism: loss of function.

Submission:

Myriad Genetics, Inc.
Classification: Pathogenic for Familial adenomatous polyposis 1. Last evaluated: 2023-05-01. Review status: criteria provided, single submitter. Criteria: Myriad Autosomal Dominant, Autosomal Recessive and X-Linked Classification Criteria (2023). Collection method: clinical testing. Allele origin: unknown.
Comment: This variant is considered pathogenic. This variant creates a frameshift predicted to result in premature protein truncation.